The following is an entry in ClinVar:

ClinVar aggregate classification (germline): Uncertain significance (1 of 4 stars; one submission).

Conditions:
PKHD1L1-related disorder. Also called: PKHD1L1-related condition.

gnomAD v4.1: 24 of 1,564,092 alleles (0.0015%); highest among the groups gnomAD compares: Non-Finnish European, 0.002%; no homozygotes.

Submission:

PreventionGenetics, part of Exact Sciences
Classification: Uncertain significance for PKHD1L1-related condition. Last evaluated: 2026-06-27. Review status: criteria provided, single submitter. Criteria: ACMG Guidelines, 2015. Collection method: clinical testing. Allele origin: germline.
Comment: The PKHD1L1 c.305C>T variant is predicted to result in the amino acid substitution p.Thr102Ile. To our knowledge, this variant has not been reported in the literature. This variant is reported in 0.0020% of alleles in individuals of European (Non-Finnish) descent in gnomAD. At this time, the clinical significance of this variant is uncertain due to the absence of conclusive functional and genetic evidence.

NM_177531.6(PKHD1L1):c.305C>T (p.Thr102Ile)

Gene: PKHD1L1 (PKHD1 like 1; plus strand). Cytogenetic location: 8q23.1.
Variant type: single nucleotide variant.
Coding change: c.305C>T on transcript NM_177531.6 (MANE Select); coding-DNA position 305, C replaced by T.
Protein change: p.Thr102Ile; replaces threonine 102 with isoleucine.
Molecular consequence: missense variant.
Genome position (GRCh38, 1-based): chr8:109,381,511, C>T. VCF-style: chr8-109381511-C-T. GRCh37 (hg19) VCF-style: chr8-110393740-C-T.
Other names: short protein forms T102I.
Identifiers: ClinVar variation 4987203 (VCV004987203.1).
Genomic context (GRCh38, chr8:109,381,511, plus strand): 5'-AGTCAATTACTTGTGATGTAGAAAAAGATGCAAGTCATTCAACTCAAATTACATGCTATA[C>T]TAGGTCTGTTTTAAAGTATCTTTAATAAAATCATTTTCATCATATCAGAAGTTACAGTTA-3'
Protein context (NP_803875.2, residues 92-112): ASHSTQITCY[Thr102Ile]RAMPEDSYTV